The following is an entry in ClinVar:

ClinVar aggregate classification (germline): Uncertain significance (1 of 4 stars; one submission).

Allele frequency attached by ClinVar (database versions not stated): gnomAD 0.00001; TOPMed 0.00003.
gnomAD v4.1: 72 of 1,490,822 alleles (0.0048%); highest among the groups gnomAD compares: Non-Finnish European, 0.0062%; no homozygotes.

Submission:

GeneDx
Classification: Uncertain significance. Last evaluated: 2022-06-13. Review status: criteria provided, single submitter. Criteria: GeneDx Variant Classification Process June 2021. Collection method: clinical testing. Allele origin: germline. Affected: yes.
Comment: In silico analysis supports that this missense variant does not alter protein structure/function; Has not been previously published as pathogenic or benign to our knowledge

NM_002448.3(MSX1):c.94G>T (p.Ala32Ser)

Genes: MSX1 (msh homeobox 1; plus strand), LOC129992137 (ATAC-STARR-seq lymphoblastoid silent region 15219; plus strand). Cytogenetic location: 4p16.2.
Variant type: single nucleotide variant.
Coding change: c.94G>T on transcript NM_002448.3 (MANE Select); coding-DNA position 94, G replaced by T.
Protein change: p.Ala32Ser; replaces alanine 32 with serine.
Genome position (GRCh38, 1-based): chr4:4,859,993, G>T. VCF-style: chr4-4859993-G-T. GRCh37 (hg19) VCF-style: chr4-4861720-G-T.
Other names: short protein forms A32S.
Identifiers: ClinVar variation 1691818 (VCV001691818.2), dbSNP rs1306079473, ClinGen allele CA356137139.